The following is an entry in ClinVar:

NM_001291746.2(REL):c.475G>A (p.Glu159Lys)

Gene: REL (REL proto-oncogene, NF-kB subunit; plus strand). Cytogenetic location: 2p16.1.
Variant type: single nucleotide variant.
Coding change: c.475G>A on transcript NM_001291746.2 (MANE Select); coding-DNA position 475, G replaced by A.
Protein change: p.Glu159Lys; replaces glutamic acid 159 with lysine.
Molecular consequence: missense variant.
Genome position (GRCh38, 1-based): chr2:60,916,957, G>A. VCF-style: chr2-60916957-G-A. GRCh37 (hg19) VCF-style: chr2-61144092-G-A.
Other names: c.475G>A, p.Glu159Lys (NM_002908.4); short protein forms E159K.
Identifiers: ClinVar variation 2740914 (VCV002740914.3), dbSNP rs2466273598, ClinGen allele CA347042373.
Genomic context (GRCh38, chr2:60,916,957, plus strand): 5'-GATATTGAAGATTGTGACCTCAATGTGGTGAGACTGTGTTTTCAAGTTTTTCTCCCTGAT[G>A]AACATGGTAATTTGACGACTGCTCTTCCTCCTGTTGTCTCGAACCCAATTTATGACAACC-3'
Protein context (NP_001278675.1, residues 149-169): RLCFQVFLPD[Glu159Lys]HGNLTTALPP

ClinVar aggregate classification (germline): Uncertain significance (1 of 4 stars; one submission).

Submission:

Labcorp Genetics (formerly Invitae), Labcorp
Classification: Uncertain significance. Last evaluated: 2023-07-10. Review status: criteria provided, single submitter. Criteria: Invitae Variant Classification Sherloc (09022015). Collection method: clinical testing. Allele origin: germline.
Comment: In summary, the available evidence is currently insufficient to determine the role of this variant in disease. Therefore, it has been classified as a Variant of Uncertain Significance. An algorithm developed to predict the effect of missense changes on protein structure and function (PolyPhen-2) suggests that this variant is likely to be disruptive. This variant has not been reported in the literature in individuals affected with REL-related conditions. This variant is not present in population databases (gnomAD no frequency). This sequence change replaces glutamic acid, which is acidic and polar, with lysine, which is basic and polar, at codon 159 of the REL protein (p.Glu159Lys).